The following is an entry in ClinVar:

NM_007194.4(CHEK2):c.793-12T>A

Gene: CHEK2 (checkpoint kinase 2; minus strand). Cytogenetic location: 22q12.1.
Variant type: single nucleotide variant.
Coding change: c.793-12T>A on transcript NM_007194.4 (MANE Select); 12 bases into the intron before coding-DNA position 793, T replaced by A.
Molecular consequence: intron variant.
Genome position (GRCh38, 1-based): chr22:28,710,071, A>T on the plus strand (T>A on the coding strand, the complement: CHEK2 is on the minus strand). VCF-style: chr22-28710071-A-T. GRCh37 (hg19) VCF-style: chr22-29106059-A-T.
Other names: c.130-12T>A (NM_001437942.1, NM_001257387.3); c.592-12T>A (NM_001349956.3); c.793-12T>A (NM_145862.3); c.886-12T>A (NM_001438295.1, NM_001438293.1); c.922-12T>A (NM_001438294.1, NM_001005735.3).
Identifiers: ClinVar variation 1351230 (VCV001351230.9), dbSNP rs1555920271, ClinGen allele CA2573157960.
Genomic context (GRCh38, chr22:28,710,071, plus strand): 5'-TTAGCTTTTTCAAAATTTCTATTTCTGTTTCAACATTGAGAGCTGGGTCCTTTGATAAAC[A>T]GAATAACAGAGTTTATTAGTAATAATAATTGCCAATATTTAAAAAAACATTTACAGTTAA-3'

ClinVar aggregate classification (germline): Uncertain significance (1 of 4 stars; one submission).

Conditions:
Familial cancer of breast. Also called: hereditary breast carcinoma; Hereditary breast cancer; BREAST CANCER, FAMILIAL. Identifiers: Orphanet 227535, MedGen C0346153, MONDO:0016419, OMIM 114480. Disease mechanism: loss of function.

Submission:

Labcorp Genetics (formerly Invitae), Labcorp
Classification: Uncertain significance for Familial cancer of breast. Last evaluated: 2021-05-20. Review status: criteria provided, single submitter. Criteria: Invitae Variant Classification Sherloc (09022015). Collection method: clinical testing. Allele origin: germline.
Comment: In summary, the available evidence is currently insufficient to determine the role of this variant in disease. Therefore, it has been classified as a Variant of Uncertain Significance. Algorithms developed to predict the effect of sequence changes on RNA splicing suggest that this variant may create or strengthen a splice site, but this prediction has not been confirmed by published transcriptional studies. This variant has not been reported in the literature in individuals with CHEK2-related conditions. This variant is not present in population databases (ExAC no frequency). This sequence change falls in intron 6 of the CHEK2 gene. It does not directly change the encoded amino acid sequence of the CHEK2 protein.